The following is an entry in ClinVar:

ClinVar aggregate classification (germline): Uncertain significance (1 of 4 stars; one submission).

Conditions:
Epilepsy, familial focal, with variable foci 3 (FFEVF3). Identifiers: MedGen C4310708, MONDO:0014925, OMIM 617118.

Submission:

Labcorp Genetics (formerly Invitae), Labcorp
Classification: Uncertain significance for Epilepsy, familial focal, with variable foci 3. Last evaluated: 2019-12-19. Review status: criteria provided, single submitter. Criteria: Invitae Variant Classification Sherloc (09022015). Collection method: clinical testing. Allele origin: germline.
Comment: This variant is a gross deletion of the genomic region encompassing exon 14 of the NPRL3 gene. The 5' boundary is likely confined to intron 13. The 3' end of this event is unknown as it extends through the termination codon beyond the assayed region for this gene and may encompass additional genes. While this deletion is not anticipated to result in nonsense mediated decay, it is expected to create a truncated protein product or disrupt mRNA translation. This variant has not been reported in the literature in individuals with NPRL3-related conditions. In summary, the available evidence is currently insufficient to determine the role of this variant in disease. Therefore, it has been classified as a Variant of Uncertain Significance.

NC_000016.10:g.(?_86685)_(86890_?)del

Gene: NPRL3 (NPR3 like, GATOR1 complex subunit; minus strand). Cytogenetic location: 16p13.3.
Variant type: Deletion.
Identifiers: ClinVar variation 831622 (VCV000831622.1).